The following is an entry in ClinVar:

Conditions:
Breast-ovarian cancer, familial, susceptibility to, 1 (BROVCA1). Also called: BRCA1 Hereditary Breast and Ovarian Cancer; OVARIAN CANCER, SUSCEPTIBILITY TO. Identifiers: Orphanet 145, MedGen C2676676, MONDO:0011450, OMIM 604370. Disease mechanism: loss of function.

Submission:

Brotman Baty Institute, University of Washington
No classification provided (evidence only). Condition: Breast-ovarian cancer, familial 1. Review status: no classification provided. Collection method: in vitro. Allele origin: not applicable. Functional consequence: functionally_abnormal.
ClinVar note: "not provided" was previously submitted as the classification for the variant. However, the classification appeared to be based only on an observation of functional data so it was converted to no classification on 2025-07-30.

NM_007294.4(BRCA1):c.5468-3C>G

Gene: BRCA1 (BRCA1 DNA repair associated; minus strand). Cytogenetic location: 17q21.31.
Variant type: single nucleotide variant.
Coding change: c.5468-3C>G on transcript NM_007294.4 (MANE Select); 3 bases into the intron before coding-DNA position 5468, C replaced by G.
Molecular consequence: intron variant.
Genome position (GRCh38, 1-based): chr17:43,045,805, G>C on the plus strand (C>G on the coding strand, the complement: BRCA1 is on the minus strand). VCF-style: chr17-43045805-G-C. GRCh37 (hg19) VCF-style: chr17-41197822-G-C.
Other names: c.5384-3C>G (NM_001407660.1, NM_001407661.1, NM_001407663.1 and 2 more transcripts); c.1955-3C>G (NM_001408476.1, NM_001408475.1); c.1958-3C>G (NM_001408474.1); c.5267-3C>G (NM_001407862.1); c.2147-3C>G (NM_001408409.1); c.5387-3C>G (NM_001407658.1, NM_001407656.1, NM_001407657.1); c.5390-3C>G (NM_001407653.1, NM_001407655.1, NM_001407654.1 and 1 more transcripts); c.5129-3C>G (NM_001407958.1, NM_001407956.1, NM_001407957.1); and 83 more.
Identifiers: ClinVar variation 868961 (VCV000868961.3), dbSNP rs1567756806, ClinGen allele CA916080704.
Genomic context (GRCh38, chr17:43,045,805, plus strand): 5'-ACACTGTCCAACACCCACTCTCGGGTCACCACAGGTGCCTCACACATCTGCCCAATTGCT[G>C]GAGACAGAGAACACAAGCAGAGATTAGTGTCAATTCATTCTCCTGGACTAGGCTCTAATC-3'